The following is an entry in ClinVar:

NM_001355436.2(SPTB):c.951G>A (p.Trp317Ter)

Gene: SPTB (spectrin beta, erythrocytic; minus strand). Cytogenetic location: 14q23.3.
Variant type: single nucleotide variant.
Coding change: c.951G>A on transcript NM_001355436.2 (MANE Select); coding-DNA position 951, G replaced by A.
Protein change: p.Trp317Ter; replaces tryptophan 317 with a stop codon.
Molecular consequence: nonsense.
Genome position (GRCh38, 1-based): chr14:64,799,860, C>T on the plus strand (G>A on the coding strand, the complement: SPTB is on the minus strand). VCF-style: chr14-64799860-C-T. GRCh37 (hg19) VCF-style: chr14-65266578-C-T.
Other names: c.951G>A, p.Trp317Ter (NM_001024858.4, NM_001355437.2); short protein forms W317*.
Identifiers: ClinVar variation 1802694 (VCV001802694.2), dbSNP rs2503198577, ClinGen allele CA390029871.

ClinVar aggregate classification (germline): Likely pathogenic (1 of 4 stars; one submission).

Submission:

MVZ Dr. Eberhard & Partner Dortmund
Classification: Likely pathogenic. Last evaluated: 2022-07-26. Review status: criteria provided, single submitter. Criteria: ACMG Guidelines, 2015. Collection method: clinical testing. Allele origin: unknown. Observed: 1 heterozygote.
Comment: This sequence change from G to A probaly leads to a premature STOP codon at Trp317 and this variant is not reported in population databases.